The following is an entry in ClinVar:

ClinVar aggregate classification (germline): Uncertain significance. Review status: criteria provided, multiple submitters, no conflicts (2 of 4 stars). 2 submissions from 2 submitters: Uncertain significance (2). Last evaluated 2026-02-17.

Conditions:
ADCY3-related disorder. Also called: ADCY3-related condition.

gnomAD v4.1: 31 of 1,613,486 alleles (0.0019%); highest among the groups gnomAD compares: Non-Finnish European, 0.0023%; no homozygotes.

Submissions (2):

PreventionGenetics, part of Exact Sciences
Classification: Uncertain significance for ADCY3-related condition. Last evaluated: 2026-02-17. Review status: criteria provided, single submitter. Criteria: ACMG Guidelines, 2015. Collection method: clinical testing. Allele origin: germline.
Comment: The ADCY3 c.3383C>G variant is predicted to result in the amino acid substitution p.Thr1128Ser. To our knowledge, this variant has not been reported in the literature. This variant is reported in 0.0027% of alleles in individuals of European (Non-Finnish) descent in gnomAD. At this time, the clinical significance of this variant is uncertain due to the absence of conclusive functional and genetic evidence.

Labcorp Genetics (formerly Invitae), Labcorp
Classification: Uncertain significance. Last evaluated: 2025-11-18. Review status: criteria provided, single submitter. Criteria: Invitae Variant Classification Sherloc (09022015). Collection method: clinical testing. Allele origin: germline.
Comment: This sequence change replaces threonine, which is neutral and polar, with serine, which is neutral and polar, at codon 1127 of the ADCY3 protein (p.Thr1127Ser). This variant is present in population databases (rs772212679, gnomAD 0.003%). This variant has not been reported in the literature in individuals affected with ADCY3-related conditions. An algorithm developed to predict the effect of missense changes on protein structure and function (PolyPhen-2) suggests that this variant is likely to be tolerated. In summary, the available evidence is currently insufficient to determine the role of this variant in disease. Therefore, it has been classified as a Variant of Uncertain Significance.

NM_004036.5(ADCY3):c.3380C>G (p.Thr1127Ser)

Genes: ADCY3 (adenylate cyclase 3; minus strand), CENPO (centromere protein O; plus strand). Cytogenetic location: 2p23.3.
Variant type: single nucleotide variant.
Coding change: c.3380C>G on transcript NM_004036.5 (MANE Select); coding-DNA position 3380, C replaced by G.
Protein change: p.Thr1127Ser; replaces threonine 1127 with serine.
Molecular consequence: missense variant. On other transcripts: 3 prime UTR variant (4), non-coding transcript variant (3).
Genome position (GRCh38, 1-based): chr2:24,819,987, G>C on the plus strand (C>G on the coding strand, the complement: ADCY3 is on the minus strand). VCF-style: chr2-24819987-G-C. GRCh37 (hg19) VCF-style: chr2-25042856-G-C.
Other names: c.3383C>G, p.Thr1128Ser (NM_001320613.2); c.3446C>G, p.Thr1149Ser (NM_001377128.1); c.3242C>G, p.Thr1081Ser (NM_001377129.1); c.*121C>G (NM_001377130.1); c.2657C>G, p.Thr886Ser (NM_001377131.1); c.3380C>G, p.Thr1127Ser (NM_001377132.1); c.*669G>C (NM_001199803.3, NM_001322101.2, NM_024322.4); c.3383C>G (NM_001320613.1); short protein forms T1127S, T1128S, T1081S, T886S, T1149S.
Identifiers: ClinVar variation 4744110 (VCV004744110.2).